The following is an entry in ClinVar:

ClinVar aggregate classification (germline): Uncertain significance (1 of 4 stars; one submission).

Conditions:
Aicardi-Goutieres syndrome 2. Identifiers: Orphanet 51, MedGen C3489724, MONDO:0012429, OMIM 610181.

gnomAD v4.1: 2 of 1,600,956 alleles (0.00012%); highest among the groups gnomAD compares: South Asian, 0.0022%; no homozygotes.

Submission:

Labcorp Genetics (formerly Invitae), Labcorp
Classification: Uncertain significance for Aicardi-Goutieres syndrome 2. Last evaluated: 2023-10-03. Review status: criteria provided, single submitter. Criteria: Invitae Variant Classification Sherloc (09022015). Collection method: clinical testing. Allele origin: germline.
Comment: This sequence change falls in intron 2 of the RNASEH2B gene. It does not directly change the encoded amino acid sequence of the RNASEH2B protein. This variant is present in population databases (no rsID available, gnomAD 0.003%). This variant has not been reported in the literature in individuals affected with RNASEH2B-related conditions. ClinVar contains an entry for this variant (Variation ID: 2132739). Algorithms developed to predict the effect of sequence changes on RNA splicing suggest that this variant may disrupt the consensus splice site. In summary, the available evidence is currently insufficient to determine the role of this variant in disease. Therefore, it has been classified as a Variant of Uncertain Significance.

NM_024570.4(RNASEH2B):c.137-4A>C

Gene: RNASEH2B (ribonuclease H2 subunit B; plus strand). Cytogenetic location: 13q14.3.
Variant type: single nucleotide variant.
Coding change: c.137-4A>C on transcript NM_024570.4 (MANE Select); 4 bases into the intron before coding-DNA position 137, A replaced by C.
Molecular consequence: intron variant.
Genome position (GRCh38, 1-based): chr13:50,929,471, A>C. VCF-style: chr13-50929471-A-C. GRCh37 (hg19) VCF-style: chr13-51503607-A-C.
Other names: c.137-4A>C (NM_001142279.2).
Identifiers: ClinVar variation 2132739 (VCV002132739.4), dbSNP rs1300419181, ClinGen allele CA609908878.